The following is an entry in ClinVar:

NM_002335.4(LRP5):c.1381C>A (p.Pro461Thr)

Gene: LRP5 (LDL receptor related protein 5; plus strand). Cytogenetic location: 11q13.2.
Variant type: single nucleotide variant.
Coding change: c.1381C>A on transcript NM_002335.4 (MANE Select); coding-DNA position 1381, C replaced by A.
Protein change: p.Pro461Thr; replaces proline 461 with threonine.
Molecular consequence: missense variant. On other transcripts: 5 prime UTR variant (1).
Genome position (GRCh38, 1-based): chr11:68,386,681, C>A. VCF-style: chr11-68386681-C-A. GRCh37 (hg19) VCF-style: chr11-68154149-C-A.
Other names: c.-385C>A (NM_001291902.2); short protein forms P461T.
Identifiers: ClinVar variation 1374679 (VCV001374679.6), dbSNP rs2153153328, ClinGen allele CA381612823.
Genomic context (GRCh38, chr11:68,386,681, plus strand): 5'-GAGGTGACGCGCCTCAACGGCACCTCCCGCAAGATCCTGGTGTCGGAGGACCTGGACGAG[C>A]CCCGAGCCATCGCACTGCACCCCGTGATGGGGTAAGACGGGCGGGGGCTGGGGCCTGGAG-3'
Protein context (NP_002326.2, residues 451-471): KILVSEDLDE[Pro461Thr]RAIALHPVMG

ClinVar aggregate classification (germline): Uncertain significance (1 of 4 stars; one submission).

Submission:

Labcorp Genetics (formerly Invitae), Labcorp
Classification: Uncertain significance. Last evaluated: 2021-08-12. Review status: criteria provided, single submitter. Criteria: Invitae Variant Classification Sherloc (09022015). Collection method: clinical testing. Allele origin: germline.
Comment: In summary, the available evidence is currently insufficient to determine the role of this variant in disease. Therefore, it has been classified as a Variant of Uncertain Significance. Advanced modeling of protein sequence and biophysical properties (such as structural, functional, and spatial information, amino acid conservation, physicochemical variation, residue mobility, and thermodynamic stability) performed at Invitae indicates that this missense variant is expected to disrupt LRP5 protein function. This variant has not been reported in the literature in individuals affected with LRP5-related conditions. This variant is not present in population databases (ExAC no frequency). This sequence change replaces proline with threonine at codon 461 of the LRP5 protein (p.Pro461Thr). The proline residue is highly conserved and there is a small physicochemical difference between proline and threonine.